The following is an entry in ClinVar:

NM_007194.4(CHEK2):c.440del (p.Phe147fs)

Gene: CHEK2 (checkpoint kinase 2; minus strand). Cytogenetic location: 22q12.1.
Variant type: Deletion.
Coding change: c.440del on transcript NM_007194.4 (MANE Select); coding-DNA position 440, one base deleted (T; older notation c.440delT).
Protein change: p.Phe147fs; shifts the reading frame from phenylalanine 147.
Molecular consequence: frameshift variant.
Genome position (GRCh38, 1-based): chr22:28,725,247, A deleted on the plus strand (T on the coding strand, the reverse complement: CHEK2 is on the minus strand); the first of 4 consecutive A bases (chr22:28,725,247-28,725,250); deleting any one gives the same sequence. VCF-style (leftmost placement, unchanged base first): chr22-28725246-GA-G. GRCh37 (hg19) VCF-style: chr22-29121234-GA-G.
Other names: c.566delT, p.Phe190Serfs (NM_001005735.3); c.-341delT (NM_001257387.3); c.437delT, p.Phe147Serfs (NM_001349956.3, NM_145862.3); short protein forms F147fs, F190fs.
Identifiers: ClinVar variation 2032646 (VCV002032646.4), dbSNP rs2518057910, ClinGen allele CA2580099496.

ClinVar aggregate classification (germline): Pathogenic (1 of 4 stars; one submission).

Conditions:
Familial cancer of breast. Also called: BREAST CANCER, FAMILIAL; Hereditary breast cancer; hereditary breast carcinoma. Identifiers: Orphanet 227535, MedGen C0346153, MONDO:0016419, OMIM 114480. Disease mechanism: loss of function.

Submission:

Labcorp Genetics (formerly Invitae), Labcorp
Classification: Pathogenic for Familial cancer of breast. Last evaluated: 2022-09-26. Review status: criteria provided, single submitter. Criteria: Invitae Variant Classification Sherloc (09022015). Collection method: clinical testing. Allele origin: germline.
Comment: This variant has not been reported in the literature in individuals affected with CHEK2-related conditions. This variant is not present in population databases (gnomAD no frequency). For these reasons, this variant has been classified as Pathogenic. This sequence change creates a premature translational stop signal (p.Phe147Serfs*14) in the CHEK2 gene. It is expected to result in an absent or disrupted protein product. Loss-of-function variants in CHEK2 are known to be pathogenic (PMID: 21876083, 24713400).

Literature cited by the submitters: PubMed 21876083; PubMed 24713400.